The following is an entry in ClinVar:

ClinVar aggregate classification (germline): Pathogenic. Review status: criteria provided, multiple submitters, no conflicts (2 of 4 stars). 2 submissions from 2 submitters: Pathogenic (2). Last evaluated 2022-11-15.

Conditions:
Left ventricular noncompaction 10 (LVNC10). Identifiers: Orphanet 154, Orphanet 54260, MedGen C3715165, MONDO:0014163, OMIM 615396.
Hypertrophic cardiomyopathy. Also called: HYPERTROPHIC MYOCARDIOPATHY. Identifiers: Orphanet 217569, MedGen C0007194, MeSH D002312, MONDO:0005045, HP:0001639.

Submissions (2):

Labcorp Genetics (formerly Invitae), Labcorp
Classification: Pathogenic for Hypertrophic cardiomyopathy. Last evaluated: 2022-11-15. Review status: criteria provided, single submitter. Criteria: Invitae Variant Classification Sherloc (09022015). Collection method: clinical testing. Allele origin: germline.
Comment: For these reasons, this variant has been classified as Pathogenic. Algorithms developed to predict the effect of sequence changes on RNA splicing suggest that this variant may disrupt the consensus splice site. ClinVar contains an entry for this variant (Variation ID: 861189). Disruption of this splice site has been observed in individuals with hypertrophic cardiomyopathy (PMID: 18258667, 20624503; Invitae). This variant is not present in population databases (gnomAD no frequency). This sequence change affects a donor splice site in intron 13 of the MYBPC3 gene. It is expected to disrupt RNA splicing. Variants that disrupt the donor or acceptor splice site typically lead to a loss of protein function (PMID: 16199547), and loss-of-function variants in MYBPC3 are known to be pathogenic (PMID: 19574547).

Institute of Human Genetics, University of Leipzig Medical Center
Classification: Pathogenic for Left ventricular noncompaction 10. Last evaluated: 2020-10-05. Review status: criteria provided, single submitter. Criteria: ACMG Guidelines, 2015. Collection method: clinical testing. Allele origin: unknown. Affected: yes.

Literature cited by the submitters: PubMed 18258667 (cited by Labcorp Genetics (formerly Invitae), Labcorp); PubMed 20624503 (cited by Labcorp Genetics (formerly Invitae), Labcorp); PubMed 16199547 (cited by Labcorp Genetics (formerly Invitae), Labcorp); PubMed 19574547 (cited by Labcorp Genetics (formerly Invitae), Labcorp).

NM_000256.3(MYBPC3):c.1223+1G>T

Gene: MYBPC3 (myosin binding protein C3; minus strand). Cytogenetic location: 11p11.2.
Variant type: single nucleotide variant.
Coding change: c.1223+1G>T on transcript NM_000256.3 (MANE Select); the canonical splice donor site of the intron after coding-DNA position 1223, G replaced by T.
Molecular consequence: splice donor variant.
Genome position (GRCh38, 1-based): chr11:47,343,491, C>A on the plus strand (G>T on the coding strand, the complement: MYBPC3 is on the minus strand). VCF-style: chr11-47343491-C-A. GRCh37 (hg19) VCF-style: chr11-47365042-C-A.
Identifiers: ClinVar variation 861189 (VCV000861189.11), dbSNP rs730880639, ClinGen allele CA380328411.